The following is an entry in ClinVar:

ClinVar aggregate classification (germline): Pathogenic. Review status: criteria provided, multiple submitters, no conflicts (2 of 4 stars). 2 submissions from 2 submitters: Pathogenic (2). Last evaluated 2021-06-24.

Submissions (2):

Labcorp Genetics (formerly Invitae), Labcorp
Classification: Pathogenic. Last evaluated: 2021-06-24. Review status: criteria provided, single submitter. Criteria: Invitae Variant Classification Sherloc (09022015). Collection method: clinical testing. Allele origin: germline.
Comment: For these reasons, this variant has been classified as Pathogenic. This variant has been observed in individual(s) with Coffin-Siris syndrome (PMID: 23929686). In at least one individual the variant was observed to be de novo. ClinVar contains an entry for this variant (Variation ID: 992283). This variant is not present in population databases (ExAC no frequency). This sequence change creates a premature translational stop signal (p.Asn420Lysfs*115) in the ARID1B gene. It is expected to result in an absent or disrupted protein product. Loss-of-function variants in ARID1B are known to be pathogenic (PMID: 25674384, 30349098).

Greenwood Genetic Center Diagnostic Laboratories, Greenwood Genetic Center
Classification: Pathogenic. Last evaluated: 2020-08-10. Review status: criteria provided, single submitter. Criteria: ACMG Guidelines, 2015. Collection method: clinical testing. Allele origin: germline. Affected: yes.

Literature cited by the submitters: PubMed 23929686 (cited by Labcorp Genetics (formerly Invitae), Labcorp); PubMed 25674384 (cited by Labcorp Genetics (formerly Invitae), Labcorp); PubMed 30349098 (cited by Labcorp Genetics (formerly Invitae), Labcorp).

NM_001374828.1(ARID1B):c.1508dup (p.Asn503fs)

Gene: ARID1B (AT-rich interaction domain 1B; plus strand). Cytogenetic location: 6q25.3.
Variant type: Duplication.
Coding change: c.1508dup on transcript NM_001374828.1 (MANE Select); coding-DNA position 1508, one base duplicated (A; older notation c.1508dupA).
Protein change: p.Asn503fs; shifts the reading frame from asparagine 503.
Molecular consequence: frameshift variant.
Genome position (GRCh38, 1-based): chr6:156,779,188, A duplicated; the last of 2 consecutive A bases (chr6:156,779,187-156,779,188); duplicating either gives the same sequence. VCF-style (leftmost placement, unchanged base first): chr6-156779186-C-CA. GRCh37 (hg19) VCF-style: chr6-157100320-C-CA.
Other names: c.1259dup (NM_020732.3); c.1508dup, p.Asn503fs (NM_001371656.1, NM_001374820.1, NM_017519.3); short protein forms N503fs.
Identifiers: ClinVar variation 992283 (VCV000992283.10), dbSNP rs1583026682, ClinGen allele CA1139659905.